The following is an entry in ClinVar:

NM_000384.3(APOB):c.11630T>C (p.Ile3877Thr)

Gene: APOB (apolipoprotein B; minus strand). Cytogenetic location: 2p24.1.
Variant type: single nucleotide variant.
Coding change: c.11630T>C on transcript NM_000384.3 (MANE Select); coding-DNA position 11630, T replaced by C.
Protein change: p.Ile3877Thr; replaces isoleucine 3877 with threonine.
Molecular consequence: missense variant.
Genome position (GRCh38, 1-based): chr2:21,005,238, A>G on the plus strand (T>C on the coding strand, the complement: APOB is on the minus strand). VCF-style: chr2-21005238-A-G. GRCh37 (hg19) VCF-style: chr2-21228110-A-G.
Other names: short protein forms I3877T.
Identifiers: ClinVar variation 1737371 (VCV001737371.2), dbSNP rs1663094540, ClinGen allele CA345977897.
Genomic context (GRCh38, chr2:21,005,238, plus strand): 5'-GTGGCATTATACACGGGAGAGTCTACCTCAAAGCGTGCAGTCAGTGCTTGAAAGGAAGGA[A>G]TGACAATTCCAGCAGGTACAGAGAACTTAATGGAGGGAATCTCAATGGTCTGCTCAGGCA-3'
Protein context (NP_000375.3, residues 3867-3887): IKFSVPAGIV[Ile3877Thr]PSFQALTARF

ClinVar aggregate classification (germline): Uncertain significance (1 of 4 stars; one submission).

Conditions:
Cardiovascular phenotype. Identifiers: MedGen CN230736.

Submission:

Ambry Genetics
Classification: Uncertain significance for Cardiovascular phenotype. Last evaluated: 2017-09-06. Review status: criteria provided, single submitter. Criteria: Ambry Variant Classification Scheme 2023. Collection method: clinical testing. Allele origin: germline.
Comment: The p.I3877T variant (also known as c.11630T>C), located in coding exon 26 of the APOB gene, results from a T to C substitution at nucleotide position 11630. The isoleucine at codon 3877 is replaced by threonine, an amino acid with similar properties. This amino acid position is not well conserved in available vertebrate species. In addition, this alteration is predicted to be tolerated by in silico analysis. Since supporting evidence is limited at this time, the clinical significance of this alteration remains unclear.